The following is an entry in ClinVar:

ClinVar aggregate classification (germline): Uncertain significance. Review status: criteria provided, multiple submitters, no conflicts (2 of 4 stars). 4 submissions from 4 submitters: Uncertain significance (2). 2 of the submissions do not count toward it. Last evaluated 2021-09-26.

Conditions:
Hereditary cancer-predisposing syndrome. Also called: Hereditary Cancer Syndrome; Tumor predisposition; Neoplastic Syndromes, Hereditary; Hereditary neoplastic syndrome. Identifiers: Orphanet 140162, MedGen C0027672, MeSH D009386, MONDO:0015356.
Hereditary breast ovarian cancer syndrome. Also called: Hereditary breast and ovarian cancer syndrome; Hereditary breast and ovarian cancer; Hereditary breast and ovarian cancer syndrome (HBOC); BRCA1- and BRCA2-Associated Hereditary Breast and Ovarian Cancer; Hereditary breast and/or ovarian cancer syndrome; Breast and ovarian cancer. Identifiers: Orphanet 145, MedGen C0677776, MeSH D061325, MONDO:0003582. Disease mechanism: loss of function.

Submissions (4):

Labcorp Genetics (formerly Invitae), Labcorp
Classification: Uncertain significance for Hereditary breast ovarian cancer syndrome. Last evaluated: 2021-09-26. Review status: criteria provided, single submitter. Criteria: Invitae Variant Classification Sherloc (09022015). Collection method: clinical testing. Allele origin: germline.
Comment: This sequence change replaces asparagine with isoleucine at codon 2463 of the BRCA2 protein (p.Asn2463Ile). The asparagine residue is weakly conserved and there is a large physicochemical difference between asparagine and isoleucine. In summary, the available evidence is currently insufficient to determine the role of this variant in disease. Therefore, it has been classified as a Variant of Uncertain Significance. Advanced modeling of protein sequence and biophysical properties (such as structural, functional, and spatial information, amino acid conservation, physicochemical variation, residue mobility, and thermodynamic stability) performed at Invitae indicates that this missense variant is not expected to disrupt BRCA2 protein function. This variant has not been reported in the literature in individuals affected with BRCA2-related conditions. This variant is not present in population databases (ExAC no frequency).

Ambry Genetics
Classification: Uncertain significance for Hereditary cancer-predisposing syndrome. Last evaluated: 2020-03-01. Review status: criteria provided, single submitter. Criteria: Ambry Variant Classification Scheme 2023. Collection method: clinical testing. Allele origin: germline.
Comment: The p.N2463I variant (also known as c.7388A>T), located in coding exon 13 of the BRCA2 gene, results from an A to T substitution at nucleotide position 7388. The asparagine at codon 2463 is replaced by isoleucine, an amino acid with dissimilar properties. This amino acid position is poorly conserved in available vertebrate species. In addition, this alteration is predicted to be tolerated by in silico analysis. Since supporting evidence is limited at this time, the clinical significance of this alteration remains unclear.

Genome Diagnostics Laboratory, University Medical Center Utrecht
Classification: Uncertain significance. Review status: no assertion criteria provided. Collection method: clinical testing. Allele origin: germline. Affected: yes. Study: VKGL Data-share Consensus. Not counted in ClinVar's aggregate classification.

Joint Genome Diagnostic Labs from Nijmegen and Maastricht, Radboudumc and MUMC+
Classification: Uncertain significance. Review status: no assertion criteria provided. Collection method: clinical testing. Allele origin: germline. Affected: yes. Study: VKGL Data-share Consensus. Not counted in ClinVar's aggregate classification.

NM_000059.4(BRCA2):c.7388A>T (p.Asn2463Ile)

Gene: BRCA2 (BRCA2 DNA repair associated; plus strand). Cytogenetic location: 13q13.1.
Variant type: single nucleotide variant.
Coding change: c.7388A>T on transcript NM_000059.4 (MANE Select); coding-DNA position 7388, A replaced by T.
Protein change: p.Asn2463Ile; replaces asparagine 2463 with isoleucine.
Molecular consequence: missense variant.
Genome position (GRCh38, 1-based): chr13:32,355,241, A>T. VCF-style: chr13-32355241-A-T. GRCh37 (hg19) VCF-style: chr13-32929378-A-T.
Other names: short protein forms N2463I.
Identifiers: ClinVar variation 1328013 (VCV001328013.11), dbSNP rs1593918551, ClinGen allele CA387741752.